The following is an entry in ClinVar:

NM_024105.4(ALG12):c.469G>C (p.Val157Leu)

Gene: ALG12 (ALG12 alpha-1,6-mannosyltransferase; minus strand). Cytogenetic location: 22q13.33.
Variant type: single nucleotide variant.
Coding change: c.469G>C on transcript NM_024105.4 (MANE Select); coding-DNA position 469, G replaced by C.
Protein change: p.Val157Leu; replaces valine 157 with leucine.
Molecular consequence: missense variant.
Genome position (GRCh38, 1-based): chr22:49,910,434, C>G on the plus strand (G>C on the coding strand, the complement: ALG12 is on the minus strand). VCF-style: chr22-49910434-C-G. GRCh37 (hg19) VCF-style: chr22-50304082-C-G.
Other names: short protein forms V157L.
Identifiers: ClinVar variation 2171186 (VCV002171186.3), dbSNP rs144851629, ClinGen allele CA10300617.

ClinVar aggregate classification (germline): Uncertain significance. Review status: criteria provided, multiple submitters, no conflicts (2 of 4 stars). 2 submissions from 2 submitters: Uncertain significance (2). Last evaluated 2024-01-19.

Conditions:
ALG12-congenital disorder of glycosylation (CDG1G). Also called: CDG Ig; ALG12-CDG; Congenital disorder of glycosylation, type Ig. Identifiers: Orphanet 79324, MedGen C2931001, MONDO:0011783, OMIM 607143.

Allele frequency attached by ClinVar (database versions not stated): ExAC 0.00001; gnomAD 0.00003; TOPMed 0.00004; ESP Exome Variant Server 0.00008.

Submissions (2):

Labcorp Genetics (formerly Invitae), Labcorp
Classification: Uncertain significance for ALG12-congenital disorder of glycosylation. Last evaluated: 2024-01-19. Review status: criteria provided, single submitter. Criteria: Invitae Variant Classification Sherloc (09022015). Collection method: clinical testing. Allele origin: germline.
Comment: This sequence change replaces valine, which is neutral and non-polar, with leucine, which is neutral and non-polar, at codon 157 of the ALG12 protein (p.Val157Leu). This variant also falls at the last nucleotide of exon 4, which is part of the consensus splice site for this exon. This variant is present in population databases (rs144851629, gnomAD 0.007%). This variant has not been reported in the literature in individuals affected with ALG12-related conditions. ClinVar contains an entry for this variant (Variation ID: 2171186). An algorithm developed to predict the effect of missense changes on protein structure and function (PolyPhen-2) suggests that this variant is likely to be disruptive. Variants that disrupt the consensus splice site are a relatively common cause of aberrant splicing (PMID: 17576681, 9536098). Algorithms developed to predict the effect of sequence changes on RNA splicing suggest that this variant may disrupt the consensus splice site. In summary, the available evidence is currently insufficient to determine the role of this variant in disease. Therefore, it has been classified as a Variant of Uncertain Significance.

Greenwood Genetic Center Diagnostic Laboratories, Greenwood Genetic Center
Classification: Uncertain significance. Last evaluated: 2023-09-05. Review status: criteria provided, single submitter. Criteria: ACMG Guidelines, 2015. Collection method: clinical testing. Allele origin: germline. Affected: yes.
Comment: PM2, PP3

Literature cited by the submitters: PubMed 17576681 (cited by Labcorp Genetics (formerly Invitae), Labcorp); PubMed 9536098 (cited by Labcorp Genetics (formerly Invitae), Labcorp).